The following is an entry in ClinVar:

NM_000257.4(MYH7):c.484T>G (p.Tyr162Asp)

Gene: MYH7 (myosin heavy chain 7; minus strand). Cytogenetic location: 14q11.2.
Variant type: single nucleotide variant.
Coding change: c.484T>G on transcript NM_000257.4 (MANE Select); coding-DNA position 484, T replaced by G.
Protein change: p.Tyr162Asp; replaces tyrosine 162 with aspartic acid.
Molecular consequence: missense variant.
Genome position (GRCh38, 1-based): chr14:23,432,657, A>C on the plus strand (T>G on the coding strand, the complement: MYH7 is on the minus strand). VCF-style: chr14-23432657-A-C. GRCh37 (hg19) VCF-style: chr14-23901866-A-C.
Other names: short protein forms Y162D.
Identifiers: ClinVar variation 525040 (VCV000525040.9), dbSNP rs1555338762, ClinGen allele CA389052724.

ClinVar aggregate classification (germline): Uncertain significance. Review status: criteria provided, multiple submitters, no conflicts (2 of 4 stars). 2 submissions from 2 submitters: Uncertain significance (2). Last evaluated 2025-06-24.

Conditions:
Hypertrophic cardiomyopathy. Also called: HYPERTROPHIC MYOCARDIOPATHY. Identifiers: Orphanet 217569, MedGen C0007194, MeSH D002312, MONDO:0005045, HP:0001639.
Cardiovascular phenotype. Identifiers: MedGen CN230736.

Submissions (2):

Ambry Genetics
Classification: Uncertain significance for Cardiovascular phenotype. Last evaluated: 2025-06-24. Review status: criteria provided, single submitter. Criteria: Ambry Variant Classification Scheme 2023. Collection method: clinical testing. Allele origin: germline.
Comment: The p.Y162D variant (also known as c.484T>G), located in coding exon 3 of the MYH7 gene, results from a T to G substitution at nucleotide position 484. The tyrosine at codon 162 is replaced by aspartic acid, an amino acid with highly dissimilar properties. This variant has been reported in a Laing distal myopathy cohort (Alessi CE et al. J Clin Neuromuscul Dis, 2020 Sep;22:22-34). This amino acid position is highly conserved in available vertebrate species. In addition, this alteration is predicted to be deleterious by in silico analysis. Based on the available evidence, the clinical significance of this variant remains unclear.

Labcorp Genetics (formerly Invitae), Labcorp
Classification: Uncertain significance for Hypertrophic cardiomyopathy. Last evaluated: 2018-01-26. Review status: criteria provided, single submitter. Criteria: Invitae Variant Classification Sherloc (09022015). Collection method: clinical testing. Allele origin: germline.
Comment: In summary, the available evidence is currently insufficient to determine the role of this variant in disease. Therefore, it has been classified as a Variant of Uncertain Significance. Other missense substitutions at this codon (p.Tyr162His and p.Tyr162Cys) have been reported in individuals affected with hypertrophic cardiomyopathy (PMID: 21252143, 9172070). These observations suggest that this novel missense substitution may affect protein function, but experiments have not been done to test this possibility. An algorithm developed specifically for the MYH7 gene suggests that this missense change is likely to be deleterious (PMID: 21310275). However, this prediction has not been confirmed by published functional studies and its clinical significance is uncertain. This variant has not been reported in the literature in individuals with MYH7-related disease. This variant is not present in population databases (ExAC no frequency). This sequence change replaces tyrosine with aspartic acid at codon 162 of the MYH7 protein (p.Tyr162Asp). The tyrosine residue is highly conserved and there is a large physicochemical difference between tyrosine and aspartic acid.

Literature cited by the submitters: PubMed 32833721 (cited by Ambry Genetics); PubMed 21252143 (cited by Labcorp Genetics (formerly Invitae), Labcorp); PubMed 9172070 (cited by Labcorp Genetics (formerly Invitae), Labcorp); PubMed 21310275 (cited by Labcorp Genetics (formerly Invitae), Labcorp).